The following is an entry in ClinVar:

NM_001371904.1(APOA5):c.19G>A (p.Val7Met)

Genes: APOA5 (apolipoprotein A5; minus strand), LOC108491825 (enhancer-blocking element 11-1-2 overlapping APOA5; plus strand). Cytogenetic location: 11q23.3.
Variant type: single nucleotide variant.
Coding change: c.19G>A on transcript NM_001371904.1 (MANE Select); coding-DNA position 19, G replaced by A.
Protein change: p.Val7Met; replaces valine 7 with methionine.
Molecular consequence: missense variant.
Genome position (GRCh38, 1-based): chr11:116,791,842, C>T on the plus strand (G>A on the coding strand, the complement: APOA5 is on the minus strand). VCF-style: chr11-116791842-C-T. GRCh37 (hg19) VCF-style: chr11-116662558-C-T.
Other names: c.19G>A, p.Val7Met (NM_001166598.2, NM_052968.5); short protein forms V7M.
Identifiers: ClinVar variation 3884326 (VCV003884326.1).

ClinVar aggregate classification (germline): Uncertain significance (1 of 4 stars; one submission).

Conditions:
Cardiovascular phenotype. Identifiers: MedGen CN230736.

Submission:

Ambry Genetics
Classification: Uncertain significance for Cardiovascular phenotype. Last evaluated: 2025-03-04. Review status: criteria provided, single submitter. Criteria: Ambry Variant Classification Scheme 2023. Collection method: clinical testing. Allele origin: germline.
Comment: The p.V7M variant (also known as c.19G>A), located in coding exon 1 of the APOA5 gene, results from a G to A substitution at nucleotide position 19. The valine at codon 7 is replaced by methionine, an amino acid with highly similar properties. This amino acid position is conserved. In addition, this alteration is predicted to be tolerated by in silico analysis. Based on the available evidence, the clinical significance of this variant remains unclear.